The following is an entry in ClinVar:

NM_005670.4(EPM2A):c.436T>C (p.Tyr146His)

Gene: EPM2A (EPM2A glucan phosphatase, laforin; minus strand). Cytogenetic location: 6q24.3.
Variant type: single nucleotide variant.
Coding change: c.436T>C on transcript NM_005670.4 (MANE Select); coding-DNA position 436, T replaced by C.
Protein change: p.Tyr146His; replaces tyrosine 146 with histidine.
Molecular consequence: missense variant. On other transcripts: 5 prime UTR variant (2), non-coding transcript variant (1).
Genome position (GRCh38, 1-based): chr6:145,686,162, A>G on the plus strand (T>C on the coding strand, the complement: EPM2A is on the minus strand). VCF-style: chr6-145686162-A-G. GRCh37 (hg19) VCF-style: chr6-146007298-A-G.
Other names: c.436T>C (NM_005670.3); c.436T>C, p.Tyr146His (NM_001018041.2, NM_001360057.2, NM_001368130.1); c.22T>C, p.Tyr8His (NM_001360064.2, NM_001360071.2, NM_001368131.1); c.-188T>C (NM_001368129.2, NM_001368132.1); short protein forms Y8H, Y146H.
Identifiers: ClinVar variation 1376961 (VCV001376961.6), dbSNP rs1393744393, ClinGen allele CA366188295.
Genomic context (GRCh38, chr6:145,686,162, plus strand): 5'-AAATATAGCACTATTTTTACCTTGAATAATGCATGGCTTGGTGGCCTGCAATATTAAAAT[A>G]GAAGTCTGTTGTGTGCTTCATTTCATTGGTGTGCCCAGTGGCCTCAATCCAGTGTCCTAT-3'
Protein context (NP_005661.1, residues 136-156): TNEMKHTTDF[Tyr146His]FNIAGHQAMH

ClinVar aggregate classification (germline): Uncertain significance. Review status: criteria provided, multiple submitters, no conflicts (2 of 4 stars). 2 submissions from 2 submitters: Uncertain significance (2). Last evaluated 2026-01-14.

Conditions:
Inborn genetic diseases. Identifiers: MedGen C0950123, MeSH D030342.
Progressive myoclonic epilepsy. Also called: Progressive myoclonus epilepsy; Familial progressive myoclonic epilepsy; Myoclonic Epilepsies, Progressive; Myoclonus epilepsy. Identifiers: Orphanet 308, Orphanet 98261, MedGen C0751778, MONDO:0020074.

Allele frequency attached by ClinVar (database versions not stated): gnomAD exomes 0.00001 and 0.00002; TOPMed 0.00003; gnomAD 0.00006 and 0.00007.
gnomAD v4.1: 15 of 1,613,912 alleles (0.00093%); highest among the groups gnomAD compares: Admixed American, 0.025%; no homozygotes.

Submissions (2):

Ambry Genetics
Classification: Uncertain significance for Inborn genetic diseases. Last evaluated: 2026-01-14. Review status: criteria provided, single submitter. Criteria: Ambry Variant Classification Scheme 2023. Collection method: clinical testing. Allele origin: germline.
Comment: The c.436T>C (p.Y146H) alteration is located in exon 2 (coding exon 2) of the EPM2A gene. This alteration results from a T to C substitution at nucleotide position 436, causing the tyrosine (Y) at amino acid position 146 to be replaced by a histidine (H). Based on data from gnomAD, the C allele has an overall frequency of 0.002% (5/251352) total alleles studied. The highest observed frequency was 0.015% (5/34524) of Latino alleles. Based on insufficient or conflicting evidence, the clinical significance of this alteration remains unclear.

Labcorp Genetics (formerly Invitae), Labcorp
Classification: Uncertain significance for Progressive myoclonic epilepsy. Last evaluated: 2021-08-25. Review status: criteria provided, single submitter. Criteria: Invitae Variant Classification Sherloc (09022015). Collection method: clinical testing. Allele origin: germline.
Comment: In summary, the available evidence is currently insufficient to determine the role of this variant in disease. Therefore, it has been classified as a Variant of Uncertain Significance. Algorithms developed to predict the effect of missense changes on protein structure and function are either unavailable or do not agree on the potential impact of this missense change (SIFT: "Deleterious"; PolyPhen-2: "Probably Damaging"; Align-GVGD: "Class C0"). This variant has not been reported in the literature in individuals affected with EPM2A-related conditions. This variant is not present in population databases (ExAC no frequency). This sequence change replaces tyrosine with histidine at codon 146 of the EPM2A protein (p.Tyr146His). The tyrosine residue is highly conserved and there is a moderate physicochemical difference between tyrosine and histidine.